The following is an entry in ClinVar:

ClinVar aggregate classification (germline): Uncertain significance (1 of 4 stars; one submission).

Submission:

Mayo Clinic Laboratories, Mayo Clinic
Classification: Uncertain significance. Last evaluated: 2025-05-14. Review status: criteria provided, single submitter. Criteria: ACMG Guidelines, 2015. Collection method: clinical testing. Allele origin: germline. Observed: 1 variant allele.
Comment: PM2_supporting

NM_002227.4(JAK1):c.3121C>G (p.Arg1041Gly)

Gene: JAK1 (Janus kinase 1; minus strand). Cytogenetic location: 1p31.3.
Variant type: single nucleotide variant.
Coding change: c.3121C>G on transcript NM_002227.4 (MANE Select); coding-DNA position 3121, C replaced by G.
Protein change: p.Arg1041Gly; replaces arginine 1041 with glycine.
Molecular consequence: missense variant.
Genome position (GRCh38, 1-based): chr1:64,837,951, G>C on the plus strand (C>G on the coding strand, the complement: JAK1 is on the minus strand). VCF-style: chr1-64837951-G-C. GRCh37 (hg19) VCF-style: chr1-65303634-G-C.
Other names: p.Arg1041Gly; c.3121C>G, p.Arg1041Gly (NM_001320923.2, NM_001321852.2, NM_001321853.2 and 3 more transcripts); c.3118C>G, p.Arg1040Gly (NM_001321857.2); short protein forms R1041G, R1040G.
Identifiers: ClinVar variation 4541217 (VCV004541217.1).
Genomic context (GRCh38, chr1:64,837,951, plus strand): 5'-CTATGAAGCATTGATAAAACCTAGTGGTTTGATTCAGTTACCAAAACACAGGGCTGTCCC[G>C]GTCATCCTTGACGGTGTAATACTCCTTATCGGTTTCAATTGCTTTGGTTAAACCGAAGTC-3'
Protein context (NP_002218.2, residues 1031-1051): DKEYYTVKDD[Arg1041Gly]DSPVFWYAPE